The following is an entry in ClinVar:

ClinVar aggregate classification (germline): Uncertain significance (1 of 4 stars; one submission).

Submission:

Labcorp Genetics (formerly Invitae), Labcorp
Classification: Uncertain significance. Last evaluated: 2022-05-19. Review status: criteria provided, single submitter. Criteria: Invitae Variant Classification Sherloc (09022015). Collection method: clinical testing. Allele origin: germline.
Comment: In summary, the available evidence is currently insufficient to determine the role of this variant in disease. Therefore, it has been classified as a Variant of Uncertain Significance. Advanced modeling of protein sequence and biophysical properties (such as structural, functional, and spatial information, amino acid conservation, physicochemical variation, residue mobility, and thermodynamic stability) performed at Invitae indicates that this missense variant is expected to disrupt ABCC6 protein function. This variant has not been reported in the literature in individuals affected with ABCC6-related conditions. This variant is not present in population databases (gnomAD no frequency). This sequence change replaces alanine, which is neutral and non-polar, with valine, which is neutral and non-polar, at codon 766 of the ABCC6 protein (p.Ala766Val).

NM_001171.6(ABCC6):c.2297C>T (p.Ala766Val)

Gene: ABCC6 (ATP binding cassette subfamily C member 6; minus strand). Cytogenetic location: 16p13.11.
Variant type: single nucleotide variant.
Coding change: c.2297C>T on transcript NM_001171.6 (MANE Select); coding-DNA position 2297, C replaced by T.
Protein change: p.Ala766Val; replaces alanine 766 with valine.
Molecular consequence: missense variant. On other transcripts: non-coding transcript variant (1).
Genome position (GRCh38, 1-based): chr16:16,178,916, G>A on the plus strand (C>T on the coding strand, the complement: ABCC6 is on the minus strand). VCF-style: chr16-16178916-G-A. GRCh37 (hg19) VCF-style: chr16-16272773-G-A.
Other names: c.1955C>T, p.Ala652Val (NM_001351800.1); short protein forms A652V, A766V.
Identifiers: ClinVar variation 1996338 (VCV001996338.4), dbSNP rs72653789, ClinGen allele CA394888108.